The following is an entry in ClinVar:

NM_005763.4(AASS):c.2669T>C (p.Ile890Thr)

Gene: AASS (aminoadipate-semialdehyde synthase; minus strand). Cytogenetic location: 7q31.32.
Variant type: single nucleotide variant.
Coding change: c.2669T>C on transcript NM_005763.4 (MANE Select); coding-DNA position 2669, T replaced by C.
Protein change: p.Ile890Thr; replaces isoleucine 890 with threonine.
Molecular consequence: missense variant.
Genome position (GRCh38, 1-based): chr7:122,076,601, A>G on the plus strand (T>C on the coding strand, the complement: AASS is on the minus strand). VCF-style: chr7-122076601-A-G. GRCh37 (hg19) VCF-style: chr7-121716655-A-G.
Other names: short protein forms I890T.
Identifiers: ClinVar variation 1901846 (VCV001901846.2), dbSNP rs775186542, ClinGen allele CA4457952.

ClinVar aggregate classification (germline): Uncertain significance (1 of 4 stars; one submission).

Allele frequency attached by ClinVar (database versions not stated): ExAC 0.00001; gnomAD 0.00001; gnomAD exomes 0.00002; TOPMed 0.00002.
gnomAD v4.1: 29 of 1,603,058 alleles (0.0018%); highest among the groups gnomAD compares: Middle Eastern, 0.033%; no homozygotes.

Submission:

Labcorp Genetics (formerly Invitae), Labcorp
Classification: Uncertain significance. Last evaluated: 2022-02-06. Review status: criteria provided, single submitter. Criteria: Invitae Variant Classification Sherloc (09022015). Collection method: clinical testing. Allele origin: germline.
Comment: This sequence change replaces isoleucine, which is neutral and non-polar, with threonine, which is neutral and polar, at codon 890 of the AASS protein (p.Ile890Thr). This variant is present in population databases (rs775186542, gnomAD 0.003%). This variant has not been reported in the literature in individuals affected with AASS-related conditions. Algorithms developed to predict the effect of missense changes on protein structure and function (SIFT, PolyPhen-2, Align-GVGD) all suggest that this variant is likely to be disruptive. In summary, the available evidence is currently insufficient to determine the role of this variant in disease. Therefore, it has been classified as a Variant of Uncertain Significance.